The following is an entry in ClinVar:

ClinVar aggregate classification (germline): Uncertain significance (1 of 4 stars; one submission).

Conditions:
Ullrich congenital muscular dystrophy 2 (UCMD2). Identifiers: Orphanet 75840, MedGen C4225314, MONDO:0014654, OMIM 616470.
Bethlem myopathy 2 (BTHLM2). Identifiers: Orphanet 536516, Orphanet 610, MedGen C4225313, MONDO:0034022, OMIM 616471.

Submission:

Labcorp Genetics (formerly Invitae), Labcorp
Classification: Uncertain significance for Bethlem myopathy 2; Ullrich congenital muscular dystrophy 2. Last evaluated: 2025-06-25. Review status: criteria provided, single submitter. Criteria: Invitae Variant Classification Sherloc (09022015). Collection method: clinical testing. Allele origin: germline.
Comment: This variant, c.8361_8378del, results in the deletion of 6 amino acid(s) of the COL12A1 protein (p.Pro2791_Pro2796del), but otherwise preserves the integrity of the reading frame. This variant is not present in population databases (gnomAD no frequency). This variant has not been reported in the literature in individuals affected with COL12A1-related conditions. ClinVar contains an entry for this variant (Variation ID: 578918). In summary, the available evidence is currently insufficient to determine the role of this variant in disease. Therefore, it has been classified as a Variant of Uncertain Significance.

NM_004370.6(COL12A1):c.8361_8378del (p.2785_2790PGPQGP[1])

Gene: COL12A1 (collagen type XII alpha 1 chain; minus strand). Cytogenetic location: 6q13.
Variant type: Deletion.
Coding change: c.8361_8378del on transcript NM_004370.6 (MANE Select); coding-DNA positions 8361 to 8378, 18 bases deleted (CCAGGGTCCTCCAGGCCC).
Protein change: p.2785_2790PGPQGP[1].
Molecular consequence: inframe deletion.
Genome position (GRCh38, 1-based): chr6:75,102,634-75,102,651, GGGCCTGGAGGACCCTGG deleted on the plus strand (CCAGGGTCCTCCAGGCCC on the coding strand, the reverse complement: COL12A1 is on the minus strand); deleting any 18 consecutive bases within chr6:75,102,634-75,102,665 gives the same sequence; the c. name uses the placement nearest the transcript's 3' end. VCF-style (leftmost placement, unchanged base first): chr6-75102633-AGGGCCTGGAGGACCCTGG-A. GRCh37 (hg19) VCF-style: chr6-75812349-AGGGCCTGGAGGACCCTGG-A.
Other names: c.4869_4886del, p.1621_1626PGPQGP[1] (NM_080645.3).
Identifiers: ClinVar variation 578918 (VCV000578918.9), dbSNP rs1562116272, ClinGen allele CA645550144.